The following is an entry in ClinVar:

NM_001318525.2(TRAPPC2L):c.33G>A (p.Glu11=)

Gene: TRAPPC2L (trafficking protein particle complex subunit 2L; plus strand). Cytogenetic location: 16q24.3.
Variant type: single nucleotide variant.
Coding change: c.33G>A on transcript NM_001318525.2 (MANE Select); coding-DNA position 33, G replaced by A.
Protein change: p.Glu11=; no amino-acid change (glutamic acid 11 retained).
Molecular consequence: synonymous variant. On other transcripts: 5 prime UTR variant (6), non-coding transcript variant (1).
Genome position (GRCh38, 1-based): chr16:88,857,183, G>A. VCF-style: chr16-88857183-G-A. GRCh37 (hg19) VCF-style: chr16-88923591-G-A.
Other names: c.33G>A, p.Glu11= (NM_001318524.2, NM_016209.5); c.-63G>A (NM_001318526.2); c.-377G>A (NM_001318527.2, NM_001318529.2, NM_001318532.2); c.-35G>A (NM_001318528.2, NM_001318530.2); c.33G>A (NM_001318524.1).
Identifiers: ClinVar variation 2442210 (VCV002442210.4), dbSNP rs756746301, ClinGen allele CA8235476.

ClinVar aggregate classification (germline): Uncertain significance. Review status: criteria provided, multiple submitters, no conflicts (2 of 4 stars). 3 submissions from 3 submitters: Uncertain significance (2). 1 of the submissions does not count toward it. Last evaluated 2023-06-28.

Conditions:
TRAPPC2L-related disorder. Also called: TRAPPC2L-related condition.
Encephalopathy, progressive, early-onset, with episodic rhabdomyolysis. Identifiers: MedGen C5193033, MONDO:0032681, OMIM 618331.

Allele frequency attached by ClinVar (database versions not stated): gnomAD 0.00001; ExAC 0.00003.
gnomAD v4.1: 14 of 1,576,178 alleles (0.00089%); highest among the groups gnomAD compares: South Asian, 0.014%; no homozygotes.

Submissions (3):

Institute of Medical Genetics and Genomics, Sir Ganga Ram Hospital
Classification: Uncertain significance for Encephalopathy, progressive, early-onset, with episodic rhabdomyolysis. Last evaluated: 2023-06-28. Review status: criteria provided, single submitter. Criteria: ACMG Guidelines, 2015. Collection method: clinical testing. Allele origin: inherited. Inheritance: Autosomal recessive inheritance. Affected: yes. Observed: 1 homozygote.
Comment: This variant is found 0.0025% gnomAD (aggregated) database (PM2_moderate). In-silico prediction tools predict this variant to cause a deleterious effect as this alters the splice junction in exon 1 of TRAPPC2L gene. This has been previously reported in Clinvar: VCV002442210.1.

Baylor Genetics
Classification: Uncertain significance for Encephalopathy, progressive, early-onset, with episodic rhabdomyolysis. Last evaluated: 2022-04-21. Review status: criteria provided, single submitter. Criteria: ACMG Guidelines, 2015. Collection method: clinical testing. Allele origin: unknown.

PreventionGenetics, part of Exact Sciences
Classification: Uncertain significance for TRAPPC2L-related condition. Last evaluated: 2024-01-18. Review status: no assertion criteria provided. Collection method: clinical testing. Allele origin: germline. Not counted in ClinVar's aggregate classification.
Comment: The TRAPPC2L c.33G>A variant is not predicted to result in an amino acid change (p.=). This variant has been reported in two patients with microcephaly, developmental delay, spasticity, epileptiform EEG, cerebral and cerebellar atrophy, and delayed myelination. RNA sequencing showed that this variant leads to intron 1 retention. However, additional details on the consequence of this aberrant splicing was not provided (Guzman-Karlsson et al., Abstract 209). This variant is reported in 0.015% of alleles in individuals of South Asian descent in gnomAD. Although we suspect that this variant may be pathogenic, at this time, the clinical significance of this variant is uncertain due to the absence of conclusive functional and genetic evidence.